The following is an entry in ClinVar:

NM_000430.4(PAFAH1B1):c.-191+19673_-191+19676dup

Gene: PAFAH1B1 (platelet activating factor acetylhydrolase 1b regulatory subunit 1; plus strand). Cytogenetic location: 17p13.3.
Variant type: Duplication.
Coding change: c.-191+19673_-191+19676dup on transcript NM_000430.4 (MANE Select); bases 19673 to 19676 of the intron after 191 bases upstream of the start codon, 4 bases duplicated (AAGC; older notation c.-191+19673_-191+19676dupAAGC).
Molecular consequence: intron variant.
Genome position (GRCh38, 1-based): chr17:2,613,679-2,613,682, AAGC duplicated. VCF-style (leftmost placement, unchanged base first): chr17-2613678-G-GAAGC. GRCh37 (hg19) VCF-style: chr17-2516972-G-GAAGC.
Identifiers: ClinVar variation 2647221 (VCV002647221.24), dbSNP rs553909283, ClinGen allele CA286566320.

ClinVar aggregate classification (germline): Benign (1 of 4 stars; one submission).

Allele frequency attached by ClinVar (database versions not stated): gnomAD exomes 0.00010; 1000 Genomes Project 0.00100; gnomAD 0.00208.

Submission:

CeGaT Center for Human Genetics Tuebingen
Classification: Benign. Last evaluated: 2022-09-01. Review status: criteria provided, single submitter. Criteria: CeGaT Center For Human Genetics Tuebingen Variant Classification Criteria Version 2. Collection method: clinical testing. Allele origin: germline. Affected: yes. Observed: 1 variant allele.
Comment: PAFAH1B1: BS1, BS2